The following is an entry in ClinVar:

NM_001377540.1(SLMAP):c.413G>C (p.Arg138Pro)

Gene: SLMAP (sarcolemma associated protein; plus strand). Cytogenetic location: 3p14.3.
Variant type: single nucleotide variant.
Coding change: c.413G>C on transcript NM_001377540.1 (MANE Select); coding-DNA position 413, G replaced by C.
Protein change: p.Arg138Pro; replaces arginine 138 with proline.
Molecular consequence: missense variant. On other transcripts: non-coding transcript variant (1).
Genome position (GRCh38, 1-based): chr3:57,841,365, G>C. VCF-style: chr3-57841365-G-C. GRCh37 (hg19) VCF-style: chr3-57827092-G-C.
Other names: c.413G>C, p.Arg138Pro (NM_001377552.1, NM_001377555.1, NM_001377557.1 and 17 more transcripts); short protein forms R138P.
Identifiers: ClinVar variation 2902389 (VCV002902389.3), dbSNP rs368469074, ClinGen allele CA353406306.
Genomic context (GRCh38, chr3:57,841,365, plus strand): 5'-ATGGGTGTATTGTTTCCACAATAAAACTTTTTCTACCAGATGGTATGGAAGCCCGGCTCC[G>C]CTCAGAGTGAGTATAATTTAGTACTGTGAAGTTTTTGTGAAGTTTAGTACTGTAAAGAAT-3'
Protein context (NP_001364469.1, residues 128-148): FLPDGMEARL[Arg138Pro]SDVIHAPLPS

ClinVar aggregate classification (germline): Uncertain significance (1 of 4 stars; one submission).

Conditions:
Brugada syndrome. Also called: Sudden Unexplained Death Syndrome; Sudden Unexplained Nocturnal Death Syndrome (SUNDS); Sudden unexpected nocturnal death syndrome; Sudden unexplained nocturnal death syndrome. Identifiers: Orphanet 130, MedGen C1142166, MONDO:0015263.

gnomAD v4.1: 7 of 1,600,042 alleles (0.00044%); highest among the groups gnomAD compares: Non-Finnish European, 0.0006%; no homozygotes.

Submission:

Labcorp Genetics (formerly Invitae), Labcorp
Classification: Uncertain significance for Brugada syndrome. Last evaluated: 2025-07-01. Review status: criteria provided, single submitter. Criteria: Invitae Variant Classification Sherloc (09022015). Collection method: clinical testing. Allele origin: germline.
Comment: This sequence change replaces arginine, which is basic and polar, with proline, which is neutral and non-polar, at codon 138 of the SLMAP protein (p.Arg138Pro). This variant is not present in population databases (gnomAD no frequency). This variant has not been reported in the literature in individuals affected with SLMAP-related conditions. ClinVar contains an entry for this variant (Variation ID: 2902389). An algorithm developed to predict the effect of missense changes on protein structure and function (PolyPhen-2) suggests that this variant is likely to be tolerated. In summary, the available evidence is currently insufficient to determine the role of this variant in disease. Therefore, it has been classified as a Variant of Uncertain Significance.